The following is an entry in ClinVar:

NM_000350.3(ABCA4):c.1173G>T (p.Lys391Asn)

Gene: ABCA4 (ATP binding cassette subfamily A member 4; minus strand). Cytogenetic location: 1p22.1.
Variant type: single nucleotide variant.
Coding change: c.1173G>T on transcript NM_000350.3 (MANE Select); coding-DNA position 1173, G replaced by T.
Protein change: p.Lys391Asn; replaces lysine 391 with asparagine.
Molecular consequence: missense variant.
Genome position (GRCh38, 1-based): chr1:94,079,388, C>A on the plus strand (G>T on the coding strand, the complement: ABCA4 is on the minus strand). VCF-style: chr1-94079388-C-A. GRCh37 (hg19) VCF-style: chr1-94544944-C-A.
Other names: c.1173G>T, p.Lys391Asn (NM_001425324.1); short protein forms K391N.
Identifiers: ClinVar variation 1417913 (VCV001417913.4), dbSNP rs561739905, ClinGen allele CA26869074.

ClinVar aggregate classification (germline): Conflicting classifications of pathogenicity. Review status: criteria provided, conflicting classifications (1 of 4 stars). 2 submissions from 2 submitters: Likely pathogenic (1); Uncertain significance (1). Last evaluated 2023-01-03.

Conditions:
ABCA4-related disorder. Also called: ABCA4-related disorders; ABCA4-related condition. Identifiers: MedGen CN239167.

gnomAD v4.1: 2 of 1,614,178 alleles (0.00012%); no homozygotes.

Submissions (2):

Blueprint Genetics
Classification: Likely pathogenic for ABCA4-related disorders. Last evaluated: 2023-01-03. Review status: criteria provided, single submitter. Criteria: ACMG Guidelines, 2015. Collection method: clinical testing. Allele origin: germline. Affected: yes. Observed: 2 variant alleles.

Labcorp Genetics (formerly Invitae), Labcorp
Classification: Uncertain significance. Last evaluated: 2022-08-23. Review status: criteria provided, single submitter. Criteria: Invitae Variant Classification Sherloc (09022015). Collection method: clinical testing. Allele origin: germline.
Comment: This sequence change replaces lysine, which is basic and polar, with asparagine, which is neutral and polar, at codon 391 of the ABCA4 protein (p.Lys391Asn). This variant is not present in population databases (gnomAD no frequency). This variant has not been reported in the literature in individuals affected with ABCA4-related conditions. ClinVar contains an entry for this variant (Variation ID: 1417913). Advanced modeling of protein sequence and biophysical properties (such as structural, functional, and spatial information, amino acid conservation, physicochemical variation, residue mobility, and thermodynamic stability) performed at Invitae indicates that this missense variant is expected to disrupt ABCA4 protein function. In summary, the available evidence is currently insufficient to determine the role of this variant in disease. Therefore, it has been classified as a Variant of Uncertain Significance.